The following is an entry in ClinVar:

NM_006531.5(IFT88):c.228A>G (p.Ala76=)

Gene: IFT88 (intraflagellar transport 88; plus strand). Cytogenetic location: 13q12.11.
Variant type: single nucleotide variant.
Coding change: c.228A>G on transcript NM_006531.5 (MANE Select); coding-DNA position 228, A replaced by G.
Protein change: p.Ala76=; no amino-acid change (alanine 76 retained).
Molecular consequence: synonymous variant. On other transcripts: 5 prime UTR variant (1), non-coding transcript variant (5).
Genome position (GRCh38, 1-based): chr13:20,590,984, A>G. VCF-style: chr13-20590984-A-G. GRCh37 (hg19) VCF-style: chr13-21165123-A-G.
Other names: c.171A>G, p.Ala57= (NM_001318491.2, NM_001353573.2, NM_001353574.2 and 1 more transcripts); c.255A>G, p.Ala85= (NM_001318493.2, NM_001353565.2, NM_001353566.2 and 6 more transcripts); c.228A>G, p.Ala76= (NM_001353568.2, NM_001353571.2, NM_001353572.2 and 1 more transcripts); c.-336A>G (NM_001353579.2).
Identifiers: ClinVar variation 4982304 (VCV004982304.1).

ClinVar aggregate classification (germline): Likely benign (1 of 4 stars; one submission).

Conditions:
IFT88-related disorder. Also called: IFT88-related condition.

Submission:

PreventionGenetics, part of Exact Sciences
Classification: Likely benign for IFT88-related condition. Last evaluated: 2026-09-25. Review status: criteria provided, single submitter. Criteria: ACMG Guidelines, 2015. Collection method: clinical testing. Allele origin: germline.
Comment: This variant is classified as likely benign based on ACMG/AMP sequence variant interpretation guidelines (Richards et al. 2015 PMID: 25741868, with internal and published modifications).